The following is an entry in ClinVar:

ClinVar aggregate classification (germline): Uncertain significance (1 of 4 stars; one submission).

Conditions:
Autosomal dominant nonsyndromic hearing loss 1. Also called: DEAFNESS, AUTOSOMAL DOMINANT 1, WITH OR WITHOUT THROMBOCYTOPENIA; KONIGSMARK SYNDROME. Identifiers: Orphanet 90635, MedGen C1852282, MONDO:0007424, OMIM 124900.
Progressive microcephaly-seizures-cortical blindness-developmental delay syndrome. Also called: Seizures, cortical blindness, and microcephaly syndrome. Identifiers: Orphanet 477814, MedGen C5567650, MONDO:0014714, OMIM 616632.

gnomAD v4.1: 15 of 1,550,712 alleles (0.00097%); highest among the groups gnomAD compares: African/African-American, 0.021%; no homozygotes.

Submission:

Labcorp Genetics (formerly Invitae), Labcorp
Classification: Uncertain significance for Progressive microcephaly-seizures-cortical blindness-developmental delay syndrome; Autosomal dominant nonsyndromic hearing loss 1. Last evaluated: 2025-11-17. Review status: criteria provided, single submitter. Criteria: Invitae Variant Classification Sherloc (09022015). Collection method: clinical testing. Allele origin: germline.
Comment: This sequence change replaces proline, which is neutral and non-polar, with histidine, which is basic and polar, at codon 620 of the DIAPH1 protein (p.Pro620His). The frequency data for this variant in the population databases is considered unreliable, as metrics indicate poor data quality at this position in the gnomAD database. This variant has not been reported in the literature in individuals affected with DIAPH1-related conditions. ClinVar contains an entry for this variant (Variation ID: 1444435). Experimental studies and prediction algorithms are not available or were not evaluated, and the functional significance of this variant is currently unknown. In summary, the available evidence is currently insufficient to determine the role of this variant in disease. Therefore, it has been classified as a Variant of Uncertain Significance.

NM_005219.5(DIAPH1):c.1859C>A (p.Pro620His)

Gene: DIAPH1 (diaphanous related formin 1; minus strand). Cytogenetic location: 5q31.3.
Variant type: single nucleotide variant.
Coding change: c.1859C>A on transcript NM_005219.5 (MANE Select); coding-DNA position 1859, C replaced by A.
Protein change: p.Pro620His; replaces proline 620 with histidine.
Molecular consequence: missense variant.
Genome position (GRCh38, 1-based): chr5:141,573,991, G>T on the plus strand (C>A on the coding strand, the complement: DIAPH1 is on the minus strand). VCF-style: chr5-141573991-G-T. GRCh37 (hg19) VCF-style: chr5-140953558-G-T.
Other names: c.1832C>A, p.Pro611His (NM_001079812.3); c.1859C>A, p.Pro620His (NM_001314007.2); short protein forms P620H, P611H.
Identifiers: ClinVar variation 1444435 (VCV001444435.6), dbSNP rs774876990, ClinGen allele CA3479197.